The following is an entry in ClinVar:

NM_001365536.1(SCN9A):c.5336T>A (p.Phe1779Tyr)

Genes: SCN1A-AS1 (SCN1A and SCN9A antisense RNA 1; plus strand), SCN9A (sodium voltage-gated channel alpha subunit 9; minus strand). Cytogenetic location: 2q24.3.
Variant type: single nucleotide variant.
Coding change: c.5336T>A on transcript NM_001365536.1 (MANE Select); coding-DNA position 5336, T replaced by A.
Protein change: p.Phe1779Tyr; replaces phenylalanine 1779 with tyrosine.
Molecular consequence: missense variant.
Genome position (GRCh38, 1-based): chr2:166,199,303, A>T on the plus strand (T>A on the coding strand, the complement: SCN9A is on the minus strand). VCF-style: chr2-166199303-A-T. GRCh37 (hg19) VCF-style: chr2-167055813-A-T.
Other names: c.5303T>A, p.Phe1768Tyr (NM_002977.4); short protein forms F1768Y, F1779Y.
Identifiers: ClinVar variation 3389594 (VCV003389594.14).

ClinVar aggregate classification (germline): Uncertain significance (1 of 4 stars; one submission).

Submission:

CeGaT Center for Human Genetics Tuebingen
Classification: Uncertain significance. Last evaluated: 2024-09-01. Review status: criteria provided, single submitter. Criteria: CeGaT Center For Human Genetics Tuebingen Variant Classification Criteria Version 2. Collection method: clinical testing. Allele origin: germline. Affected: yes. Observed: 1 variant allele.
Comment: SCN9A: PM2